The following is an entry in ClinVar:

NM_018124.4(RFWD3):c.1426+4_1426+5del

Gene: RFWD3 (ring finger and WD repeat domain 3; minus strand). Cytogenetic location: 16q23.1.
Variant type: Deletion.
Coding change: c.1426+4_1426+5del on transcript NM_018124.4 (MANE Select); bases 4 to 5 of the intron after coding-DNA position 1426, 2 bases deleted (AA; older notation c.1426+4_1426+5delAA).
Molecular consequence: intron variant.
Genome position (GRCh38, 1-based): chr16:74,636,341-74,636,342, TT deleted on the plus strand (AA on the coding strand, the reverse complement: RFWD3 is on the minus strand); deleting any 2 consecutive bases within chr16:74,636,341-74,636,343 gives the same sequence; the c. name uses the placement nearest the transcript's 3' end. VCF-style (leftmost placement, unchanged base first): chr16-74636340-CTT-C. GRCh37 (hg19) VCF-style: chr16-74670238-CTT-C.
Other names: c.1426+4_1426+5del (NM_001370534.1, NM_001370536.1, NM_001370535.1); c.592+4_592+5del (NM_001370539.1, NM_001370537.1, NM_001370543.1 and 2 more transcripts).
Identifiers: ClinVar variation 2892230 (VCV002892230.3), dbSNP rs764648343, ClinGen allele CA8169227.

ClinVar aggregate classification (germline): Uncertain significance (1 of 4 stars; one submission).

Submission:

Labcorp Genetics (formerly Invitae), Labcorp
Classification: Uncertain significance. Last evaluated: 2025-04-17. Review status: criteria provided, single submitter. Criteria: Invitae Variant Classification Sherloc (09022015). Collection method: clinical testing. Allele origin: germline.
Comment: This sequence change falls in intron 8 of the RFWD3 gene. It does not directly change the encoded amino acid sequence of the RFWD3 protein. It affects a nucleotide within the consensus splice site. This variant is present in population databases (rs764648343, gnomAD 0.008%). This variant has not been reported in the literature in individuals affected with RFWD3-related conditions. ClinVar contains an entry for this variant (Variation ID: 2892230). Variants that disrupt the consensus splice site are a relatively common cause of aberrant splicing (PMID: 17576681, 9536098). Algorithms developed to predict the effect of sequence changes on RNA splicing suggest that this variant is not likely to affect RNA splicing. In summary, the available evidence is currently insufficient to determine the role of this variant in disease. Therefore, it has been classified as a Variant of Uncertain Significance.

Literature cited by the submitters: PubMed 17576681; PubMed 9536098.